The following is an entry in ClinVar:

NM_018089.3(ANKZF1):c.1283G>T (p.Cys428Phe)

Gene: ANKZF1 (ankyrin repeat and zinc finger peptidyl tRNA hydrolase 1; plus strand). Cytogenetic location: 2q35.
Variant type: single nucleotide variant.
Coding change: c.1283G>T on transcript NM_018089.3 (MANE Select); coding-DNA position 1283, G replaced by T.
Protein change: p.Cys428Phe; replaces cysteine 428 with phenylalanine.
Molecular consequence: missense variant.
Genome position (GRCh38, 1-based): chr2:219,234,904, G>T. VCF-style: chr2-219234904-G-T. GRCh37 (hg19) VCF-style: chr2-220099626-G-T.
Other names: c.1283G>T, p.Cys428Phe (NM_001042410.2); c.653G>T, p.Cys218Phe (NM_001282792.2); c.1283G>T (NM_018089.2); short protein forms C428F, C218F.
Identifiers: ClinVar variation 2102650 (VCV002102650.5), dbSNP rs1172645878, ClinGen allele CA350679972.
Genomic context (GRCh38, chr2:219,234,904, plus strand): 5'-AAGATGGCTTTCAGGTAGAGTTGGAGCTAGTGGAGTTGACTGTGGGGACTCTGGATCTTT[G>T]TGAGTCTGAAGTATTGCCCAAGCGGAGGAGGAGAAAAAGGAATAAGAAGGAGAAAAGCCG-3'
Protein context (NP_060559.2, residues 418-438): VELTVGTLDL[Cys428Phe]ESEVLPKRRR

ClinVar aggregate classification (germline): Uncertain significance. Review status: criteria provided, multiple submitters, no conflicts (2 of 4 stars). 2 submissions from 2 submitters: Uncertain significance (2). Last evaluated 2025-10-06.

Allele frequency attached by ClinVar (database versions not stated): TOPMed below 0.00001; gnomAD exomes below 0.00001; gnomAD 0.00001.

Submissions (2):

Labcorp Genetics (formerly Invitae), Labcorp
Classification: Uncertain significance. Last evaluated: 2025-10-06. Review status: criteria provided, single submitter. Criteria: Invitae Variant Classification Sherloc (09022015). Collection method: clinical testing. Allele origin: germline.
Comment: This sequence change replaces cysteine, which is neutral and slightly polar, with phenylalanine, which is neutral and non-polar, at codon 428 of the ANKZF1 protein (p.Cys428Phe). This variant is not present in population databases (gnomAD no frequency). This variant has not been reported in the literature in individuals affected with ANKZF1-related conditions. ClinVar contains an entry for this variant (Variation ID: 2102650). An algorithm developed to predict the effect of missense changes on protein structure and function (PolyPhen-2) suggests that this variant is likely to be tolerated. In summary, the available evidence is currently insufficient to determine the role of this variant in disease. Therefore, it has been classified as a Variant of Uncertain Significance.

Ambry Genetics
Classification: Uncertain significance. Last evaluated: 2024-12-11. Review status: criteria provided, single submitter. Criteria: Ambry Variant Classification Scheme 2023. Collection method: clinical testing. Allele origin: germline.